The following is an entry in ClinVar:

NM_001083926.2(ASRGL1):c.890T>C (p.Ile297Thr)

Gene: ASRGL1 (asparaginase and isoaspartyl peptidase 1; plus strand). Cytogenetic location: 11q12.3.
Variant type: single nucleotide variant.
Coding change: c.890T>C on transcript NM_001083926.2 (MANE Select); coding-DNA position 890, T replaced by C.
Protein change: p.Ile297Thr; replaces isoleucine 297 with threonine.
Molecular consequence: missense variant.
Genome position (GRCh38, 1-based): chr11:62,392,247, T>C. VCF-style: chr11-62392247-T-C. GRCh37 (hg19) VCF-style: chr11-62159719-T-C.
Other names: c.890T>C, p.Ile297Thr (NM_025080.4); short protein forms I297T.
Identifiers: ClinVar variation 1517876 (VCV001517876.8), dbSNP rs1464062907, ClinGen allele CA380871899.

ClinVar aggregate classification (germline): Uncertain significance (1 of 4 stars; one submission).

Allele frequency attached by ClinVar (database versions not stated): TOPMed below 0.00001; gnomAD 0.00001; gnomAD exomes 0.00001.
gnomAD v4.1: 4 of 1,614,000 alleles (0.00025%); highest among the groups gnomAD compares: Admixed American, 0.0067%; no homozygotes.

Submission:

Labcorp Genetics (formerly Invitae), Labcorp
Classification: Uncertain significance. Last evaluated: 2024-02-02. Review status: criteria provided, single submitter. Criteria: Invitae Variant Classification Sherloc (09022015). Collection method: clinical testing. Allele origin: germline.
Comment: This sequence change replaces isoleucine, which is neutral and non-polar, with threonine, which is neutral and polar, at codon 297 of the ASRGL1 protein (p.Ile297Thr). This variant is present in population databases (no rsID available, gnomAD 0.006%). This variant has not been reported in the literature in individuals affected with ASRGL1-related conditions. ClinVar contains an entry for this variant (Variation ID: 1517876). An algorithm developed to predict the effect of missense changes on protein structure and function (PolyPhen-2) suggests that this variant is likely to be tolerated. In summary, the available evidence is currently insufficient to determine the role of this variant in disease. Therefore, it has been classified as a Variant of Uncertain Significance.